The following is an entry in ClinVar:

ClinVar aggregate classification (germline): Uncertain significance (1 of 4 stars; one submission).

Submission:

GeneDx
Classification: Uncertain significance. Last evaluated: 2026-02-11. Review status: criteria provided, single submitter. Criteria: GeneDx Variant Classification Process June 2021. Collection method: clinical testing. Allele origin: germline.
Comment: Not observed at significant frequency in large population cohorts (gnomAD); In silico analysis supports that this missense variant has a deleterious effect on protein structure/function; Has not been previously published as pathogenic or benign to our knowledge

NM_001128.6(AP1G1):c.1015G>A (p.Asp339Asn)

Gene: AP1G1 (adaptor related protein complex 1 subunit gamma 1; minus strand). Cytogenetic location: 16q22.2.
Variant type: single nucleotide variant.
Coding change: c.1015G>A on transcript NM_001128.6 (MANE Select); coding-DNA position 1015, G replaced by A.
Protein change: p.Asp339Asn; replaces aspartic acid 339 with asparagine.
Molecular consequence: missense variant.
Genome position (GRCh38, 1-based): chr16:71,758,881, C>T on the plus strand (G>A on the coding strand, the complement: AP1G1 is on the minus strand). VCF-style: chr16-71758881-C-T. GRCh37 (hg19) VCF-style: chr16-71792784-C-T.
Other names: c.1024G>A, p.Asp342Asn (NM_001030007.2); short protein forms D339N, D342N.
Identifiers: ClinVar variation 4976105 (VCV004976105.1).